The following is an entry in ClinVar:

NM_000127.3(EXT1):c.1705G>A (p.Val569Met)

Gene: EXT1 (exostosin glycosyltransferase 1; minus strand). Cytogenetic location: 8q24.11.
Variant type: single nucleotide variant.
Coding change: c.1705G>A on transcript NM_000127.3 (MANE Select); coding-DNA position 1705, G replaced by A.
Protein change: p.Val569Met; replaces valine 569 with methionine.
Molecular consequence: missense variant.
Genome position (GRCh38, 1-based): chr8:117,812,889, C>T on the plus strand (G>A on the coding strand, the complement: EXT1 is on the minus strand). VCF-style: chr8-117812889-C-T. GRCh37 (hg19) VCF-style: chr8-118825128-C-T.
Other names: short protein forms V569M.
Identifiers: ClinVar variation 1349008 (VCV001349008.3), dbSNP rs1428345482, ClinGen allele CA371880919.

ClinVar aggregate classification (germline): Uncertain significance (1 of 4 stars; one submission).

Conditions:
Multiple congenital exostosis (EXT). Also called: Multiple exostoses; Multiple osteochondromas; Hereditary multiple exostoses; Hereditary multiple exostosis; MULTIPLE CARTILAGINOUS EXOSTOSES; Hereditary multiple osteochondromas. Identifiers: Orphanet 321, MedGen C0015306, MONDO:0005508, HP:0002762.

Allele frequency attached by ClinVar (database versions not stated): TOPMed below 0.00001; gnomAD exomes 0.00001 and 0.00002.
gnomAD v4.1: 8 of 1,614,034 alleles (0.0005%); highest among the groups gnomAD compares: South Asian, 0.0088%; no homozygotes.

Submission:

Labcorp Genetics (formerly Invitae), Labcorp
Classification: Uncertain significance for Multiple congenital exostosis. Last evaluated: 2021-11-29. Review status: criteria provided, single submitter. Criteria: Invitae Variant Classification Sherloc (09022015). Collection method: clinical testing. Allele origin: germline.
Comment: This sequence change replaces valine, which is neutral and non-polar, with methionine, which is neutral and non-polar, at codon 569 of the EXT1 protein (p.Val569Met). This variant is present in population databases (no rsID available, gnomAD 0.01%). This variant has not been reported in the literature in individuals affected with EXT1-related conditions. Advanced modeling of protein sequence and biophysical properties (such as structural, functional, and spatial information, amino acid conservation, physicochemical variation, residue mobility, and thermodynamic stability) performed at Invitae indicates that this missense variant is not expected to disrupt EXT1 protein function. In summary, the available evidence is currently insufficient to determine the role of this variant in disease. Therefore, it has been classified as a Variant of Uncertain Significance.